The following is an entry in ClinVar:

ClinVar aggregate classification (germline): Uncertain significance (1 of 4 stars; one submission).

Allele frequency attached by ClinVar (database versions not stated): gnomAD 0.00001.
gnomAD v4.1: 15 of 1,613,918 alleles (0.00093%); highest among the groups gnomAD compares: Non-Finnish European, 0.0011%; no homozygotes.

Submission:

Labcorp Genetics (formerly Invitae), Labcorp
Classification: Uncertain significance. Last evaluated: 2022-08-07. Review status: criteria provided, single submitter. Criteria: Invitae Variant Classification Sherloc (09022015). Collection method: clinical testing. Allele origin: germline.
Comment: In summary, the available evidence is currently insufficient to determine the role of this variant in disease. Therefore, it has been classified as a Variant of Uncertain Significance. This sequence change replaces proline, which is neutral and non-polar, with leucine, which is neutral and non-polar, at codon 311 of the MTPAP protein (p.Pro311Leu). Algorithms developed to predict the effect of missense changes on protein structure and function are either unavailable or do not agree on the potential impact of this missense change (SIFT: "Deleterious"; PolyPhen-2: "Possibly Damaging"; Align-GVGD: "Class C0"). This variant has not been reported in the literature in individuals affected with MTPAP-related conditions. This variant is present in population databases (no rsID available, gnomAD 0.0008%).

NM_018109.4(MTPAP):c.932C>T (p.Pro311Leu)

Gene: MTPAP (mitochondrial poly(A) polymerase; minus strand). Cytogenetic location: 10p11.23.
Variant type: single nucleotide variant.
Coding change: c.932C>T on transcript NM_018109.4 (MANE Select); coding-DNA position 932, C replaced by T.
Protein change: p.Pro311Leu; replaces proline 311 with leucine.
Molecular consequence: missense variant.
Genome position (GRCh38, 1-based): chr10:30,326,484, G>A on the plus strand (C>T on the coding strand, the complement: MTPAP is on the minus strand). VCF-style: chr10-30326484-G-A. GRCh37 (hg19) VCF-style: chr10-30615413-G-A.
Other names: short protein forms P311L.
Identifiers: ClinVar variation 1950129 (VCV001950129.5), dbSNP rs1347890109, ClinGen allele CA376421816.